The following is an entry in ClinVar:

ClinVar aggregate classification (germline): Pathogenic (1 of 4 stars; one submission).

Conditions:
LAMA2-related muscular dystrophy (LAMA2-RD). Also called: Laminin alpha 2-related dystrophy. Identifiers: MedGen C5679788, MONDO:0100228.

Submission:

Labcorp Genetics (formerly Invitae), Labcorp
Classification: Pathogenic for LAMA2-related muscular dystrophy. Last evaluated: 2022-09-16. Review status: criteria provided, single submitter. Criteria: Invitae Variant Classification Sherloc (09022015). Collection method: clinical testing. Allele origin: germline.
Comment: For these reasons, this variant has been classified as Pathogenic. This variant has not been reported in the literature in individuals affected with LAMA2-related conditions. This variant is not present in population databases (gnomAD no frequency). This sequence change creates a premature translational stop signal (p.Ile2026Phefs*40) in the LAMA2 gene. It is expected to result in an absent or disrupted protein product. Loss-of-function variants in LAMA2 are known to be pathogenic (PMID: 18700894, 32904964).

Literature cited by the submitters: PubMed 18700894; PubMed 32904964.

NM_000426.4(LAMA2):c.6076del (p.Ile2026fs)

Gene: LAMA2 (laminin subunit alpha 2; plus strand). Cytogenetic location: 6q22.33.
Variant type: Deletion.
Coding change: c.6076del on transcript NM_000426.4 (MANE Select); coding-DNA position 6076, one base deleted (A; older notation c.6076delA).
Protein change: p.Ile2026fs; shifts the reading frame from isoleucine 2026.
Molecular consequence: frameshift variant.
Genome position (GRCh38, 1-based): chr6:129,438,753, A deleted. VCF-style (leftmost placement, unchanged base first): chr6-129438752-TA-T. GRCh37 (hg19) VCF-style: chr6-129759897-TA-T.
Other names: c.6076del, p.Ile2026fs (NM_001079823.2); short protein forms I2026fs.
Identifiers: ClinVar variation 2026366 (VCV002026366.4), dbSNP rs2533379703, ClinGen allele CA2580075053.